The following is an entry in ClinVar:

NM_006516.4(SLC2A1):c.587C>T (p.Pro196Leu)

Gene: SLC2A1 (solute carrier family 2 member 1; minus strand). Cytogenetic location: 1p34.2.
Variant type: single nucleotide variant.
Coding change: c.587C>T on transcript NM_006516.4 (MANE Select); coding-DNA position 587, C replaced by T.
Protein change: p.Pro196Leu; replaces proline 196 with leucine.
Molecular consequence: missense variant.
Genome position (GRCh38, 1-based): chr1:42,929,965, G>A on the plus strand (C>T on the coding strand, the complement: SLC2A1 is on the minus strand). VCF-style: chr1-42929965-G-A. GRCh37 (hg19) VCF-style: chr1-43395636-G-A.
Other names: short protein forms P196L.
Identifiers: ClinVar variation 1218965 (VCV001218965.9), dbSNP rs771352226, ClinGen allele CA803495.

ClinVar aggregate classification (germline): Uncertain significance. Review status: criteria provided, multiple submitters, no conflicts (2 of 4 stars). 7 submissions from 3 submitters: Uncertain significance (7). Last evaluated 2023-10-16.

Conditions:
Hereditary cryohydrocytosis with reduced stomatin. Also called: Stomatin-deficient cryohydrocytosis with neurologic defects; GLUT1 DEFICIENCY SYNDROME WITH PSEUDOHYPERKALEMIA AND HEMOLYSIS. Identifiers: Orphanet 168577, MedGen C1837206, MONDO:0012143, OMIM 608885.
Dystonia 9 (DYT9). Also called: CHOREOATHETOSIS, KINESIGENIC, WITH EPISODIC ATAXIA AND SPASTICITY. Identifiers: Orphanet 53583, MedGen C1832855, MONDO:0010983, OMIM 601042.
Epilepsy, idiopathic generalized, susceptibility to, 12 (EIG12). Identifiers: MedGen C3553859, MONDO:0013919, OMIM 614847.
Encephalopathy due to GLUT1 deficiency. Also called: GLUT1 deficiency syndrome 1, infantile onset, severe; Classic Glucose Transporter Type 1 Deficiency Syndrome; Glucose transporter protein syndrome; GLUT1 deficiency syndrome 1; De Vivo disease; GLUCOSE TRANSPORT DEFECT, BLOOD-BRAIN BARRIER. Identifiers: Orphanet 71277, MedGen C4551966, MONDO:0011724, OMIM 606777.
GLUT1 deficiency syndrome 1, autosomal recessive. Identifiers: MedGen C3149117.
Childhood onset GLUT1 deficiency syndrome 2. Also called: GLUT1 deficiency syndrome 2; PAROXYSMAL EXERCISE-INDUCED DYSKINESIA WITH OR WITHOUT EPILEPSY AND/OR HEMOLYTIC ANEMIA; PAROXYSMAL EXERTION-INDUCED DYSTONIA WITH OR WITHOUT EPILEPSY AND/OR HEMOLYTIC ANEMIA; PED WITH OR WITHOUT EPILEPSY AND/OR HEMOLYTIC ANEMIA; Exertion-induced paroxysmal dyskinesia; Paroxysmal exercise-induced dystonia. Identifiers: Orphanet 98811, MedGen C1842534, MONDO:0012805, OMIM 612126.

Allele frequency attached by ClinVar (database versions not stated): gnomAD exomes below 0.00001; ExAC 0.00001.
gnomAD v4.1: 1 of 1,614,164 alleles (0.000062%); highest among the groups gnomAD compares: Non-Finnish European, 0.000085%; no homozygotes.

Submissions (7):

Labcorp Genetics (formerly Invitae), Labcorp
Classification: Uncertain significance for GLUT1 deficiency syndrome 1, autosomal recessive. Last evaluated: 2023-10-16. Review status: criteria provided, single submitter. Criteria: Invitae Variant Classification Sherloc (09022015). Collection method: clinical testing. Allele origin: germline.
Comment: This sequence change replaces proline, which is neutral and non-polar, with leucine, which is neutral and non-polar, at codon 196 of the SLC2A1 protein (p.Pro196Leu). This variant is present in population databases (rs771352226, gnomAD 0.0009%). This variant has not been reported in the literature in individuals affected with SLC2A1-related conditions. ClinVar contains an entry for this variant (Variation ID: 1218965). Advanced modeling of protein sequence and biophysical properties (such as structural, functional, and spatial information, amino acid conservation, physicochemical variation, residue mobility, and thermodynamic stability) performed at Invitae indicates that this missense variant is expected to disrupt SLC2A1 protein function. In summary, the available evidence is currently insufficient to determine the role of this variant in disease. Therefore, it has been classified as a Variant of Uncertain Significance.

Genome-Nilou Lab
Classification: Uncertain significance for Epilepsy, idiopathic generalized, susceptibility to, 12. Last evaluated: 2023-04-11. Review status: criteria provided, single submitter. Criteria: ACMG Guidelines, 2015. Collection method: clinical testing. Allele origin: germline. Affected: no.

Genome-Nilou Lab
Classification: Uncertain significance for Dystonia 9. Last evaluated: 2023-04-11. Review status: criteria provided, single submitter. Criteria: ACMG Guidelines, 2015. Collection method: clinical testing. Allele origin: germline. Affected: no.

Genome-Nilou Lab
Classification: Uncertain significance for Encephalopathy due to GLUT1 deficiency. Last evaluated: 2023-04-11. Review status: criteria provided, single submitter. Criteria: ACMG Guidelines, 2015. Collection method: clinical testing. Allele origin: germline. Affected: no.

Genome-Nilou Lab
Classification: Uncertain significance for Childhood onset GLUT1 deficiency syndrome 2. Last evaluated: 2023-04-11. Review status: criteria provided, single submitter. Criteria: ACMG Guidelines, 2015. Collection method: clinical testing. Allele origin: germline. Affected: no.

Genome-Nilou Lab
Classification: Uncertain significance for Hereditary cryohydrocytosis with reduced stomatin. Last evaluated: 2023-04-11. Review status: criteria provided, single submitter. Criteria: ACMG Guidelines, 2015. Collection method: clinical testing. Allele origin: germline. Affected: no.

GeneDx
Classification: Uncertain significance. Last evaluated: 2019-04-09. Review status: criteria provided, single submitter. Criteria: GeneDx Variant Classification Process June 2021. Collection method: clinical testing. Allele origin: germline. Affected: yes.
Comment: Not observed at a significant frequency in large population cohorts (Lek et al., 2016); In silico analysis, which includes protein predictors and evolutionary conservation, supports a deleterious effect; Has not been previously published as pathogenic or benign to our knowledge